The following is an entry in ClinVar:

NM_000426.4(LAMA2):c.2032C>T (p.Leu678Phe)

Gene: LAMA2 (laminin subunit alpha 2; plus strand). Cytogenetic location: 6q22.33.
Variant type: single nucleotide variant.
Coding change: c.2032C>T on transcript NM_000426.4 (MANE Select); coding-DNA position 2032, C replaced by T.
Protein change: p.Leu678Phe; replaces leucine 678 with phenylalanine.
Molecular consequence: missense variant.
Genome position (GRCh38, 1-based): chr6:129,252,231, C>T. VCF-style: chr6-129252231-C-T. GRCh37 (hg19) VCF-style: chr6-129573376-C-T.
Other names: c.2032C>T, p.Leu678Phe (NM_001079823.2); short protein forms L678F.
Identifiers: ClinVar variation 1384326 (VCV001384326.3), dbSNP rs2114287497, ClinGen allele CA365610504.

ClinVar aggregate classification (germline): Uncertain significance (1 of 4 stars; one submission).

Conditions:
LAMA2-related muscular dystrophy (LAMA2-RD). Also called: Laminin alpha 2-related dystrophy. Identifiers: MedGen C5679788, MONDO:0100228.

Submission:

Labcorp Genetics (formerly Invitae), Labcorp
Classification: Uncertain significance for LAMA2-related muscular dystrophy. Last evaluated: 2021-10-13. Review status: criteria provided, single submitter. Criteria: Invitae Variant Classification Sherloc (09022015). Collection method: clinical testing. Allele origin: germline.
Comment: This sequence change replaces leucine with phenylalanine at codon 678 of the LAMA2 protein (p.Leu678Phe). The leucine residue is moderately conserved and there is a small physicochemical difference between leucine and phenylalanine. This variant is not present in population databases (ExAC no frequency). This variant has not been reported in the literature in individuals affected with LAMA2-related conditions. Advanced modeling of protein sequence and biophysical properties (such as structural, functional, and spatial information, amino acid conservation, physicochemical variation, residue mobility, and thermodynamic stability) performed at Invitae indicates that this missense variant is not expected to disrupt LAMA2 protein function. In summary, the available evidence is currently insufficient to determine the role of this variant in disease. Therefore, it has been classified as a Variant of Uncertain Significance.